The following is an entry in ClinVar:

ClinVar aggregate classification (germline): Conflicting classifications of pathogenicity. Review status: criteria provided, conflicting classifications (1 of 4 stars). 5 submissions from 4 submitters: Pathogenic (1); Likely pathogenic (1); Uncertain significance (2). 1 of the submissions does not count toward it. Last evaluated 2025-09-10.

Conditions:
Sitosterolemia 1. Identifiers: MedGen C2749759, MONDO:0020747, OMIM 210250.
Sitosterolemia 2. Identifiers: MedGen C5231453, MONDO:0020748, OMIM 618666.
ABCG5-related disorder. Also called: ABCG5-related condition.
Sitosterolemia (STSL). Also called: PHYTOSTEROLEMIA. Identifiers: Orphanet 2882, MedGen C0342907, MONDO:0008863.
Cardiovascular phenotype. Identifiers: MedGen CN230736.

Allele frequency attached by ClinVar (database versions not stated): TOPMed 0.00002.
gnomAD v4.1: 23 of 1,613,658 alleles (0.0014%); highest among the groups gnomAD compares: Admixed American, 0.022%; no homozygotes.

Submissions (5):

Labcorp Genetics (formerly Invitae), Labcorp
Classification: Likely pathogenic for Sitosterolemia. Last evaluated: 2025-09-10. Review status: criteria provided, single submitter. Criteria: Invitae Variant Classification Sherloc (09022015). Collection method: clinical testing. Allele origin: germline.
Comment: This sequence change replaces threonine, which is neutral and polar, with arginine, which is basic and polar, at codon 305 of the ABCG5 protein (p.Thr305Arg). This variant is present in population databases (rs143740796, gnomAD 0.01%). This missense change has been observed in individual(s) with clinical features of dyslipidemia and/or sitosterolemia (PMID: 28696550, 32041611). In at least one individual the data is consistent with being in trans (on the opposite chromosome) from a pathogenic variant. ClinVar contains an entry for this variant (Variation ID: 1046346). An algorithm developed to predict the effect of missense changes on protein structure and function (PolyPhen-2) suggests that this variant is likely to be disruptive. Algorithms developed to predict the effect of sequence changes on RNA splicing suggest that this variant may disrupt the consensus splice site. In summary, the currently available evidence indicates that the variant is pathogenic, but additional data are needed to prove that conclusively. Therefore, this variant has been classified as Likely Pathogenic.

PreventionGenetics, part of Exact Sciences
Classification: Uncertain significance for ABCG5-related condition. Last evaluated: 2025-04-25. Review status: criteria provided, single submitter. Criteria: ACMG Guidelines, 2015. Collection method: clinical testing. Allele origin: germline.
Comment: The ABCG5 c.914C>G variant is predicted to result in the amino acid substitution p.Thr305Arg. This variant has been reported in the compound heterozygous state with a protein-truncating variant, c.1890delT (p.Phe630Leufs*8), in an individual with clinical and biochemical features of sitosterolemia (Bastida et al. 2017. PubMed ID: 28696550). This variant has also been reported in at least one individual in a large dyslipidemia cohort, but no patient-specific phenotype information was provided (Table S4, Dron et al. 2020. PubMed ID: 32041611). This variant is predicted to weaken the nearby canonical splice acceptor site according to an in silico splicing prediction program (Splice AI, Jaganathan et al. 2019. PubMed ID: 30661751); however, the use of such programs is not equivalent to functional evidence. This variant is reported in 0.014% of alleles in individuals of Latino descent in gnomAD. Although we suspect that this variant may be pathogenic, the clinical significance of this variant is uncertain at this time due to the absence of conclusive functional and genetic evidence.

Ambry Genetics
Classification: Uncertain significance for Cardiovascular phenotype. Last evaluated: 2025-01-02. Review status: criteria provided, single submitter. Criteria: Ambry Variant Classification Scheme 2023. Collection method: clinical testing. Allele origin: germline.
Comment: The p.T305R variant (also known as c.914C>G), located in coding exon 8 of the ABCG5 gene, results from a C to G substitution at nucleotide position 914. The threonine at codon 305 is replaced by arginine, an amino acid with similar properties. This variant has been identified in the homozygous state and/or in conjunction with other ABCG5 variant(s) in individual(s) with features consistent with sitosterolemia (Bastida JM et al. J Thromb Haemost, 2017 Sep;15:1859-1866; Bastida JM et al. Haematologica, 2018 Jan;103:148-162). This amino acid position is highly conserved in available vertebrate species. In addition, this alteration is predicted to be deleterious by in silico analysis. Based on the available evidence, the clinical significance of this variant remains unclear.

ISTH-SSC Genomics in Thrombosis and Hemostasis, KU Leuven, Center for Molecular and Vascular Biology
Classification: Pathogenic for Sitosterolemia 2. Review status: criteria provided, single submitter. Criteria: ACMG Guidelines, 2015. Collection method: clinical testing. Allele origin: germline. Affected: yes. Observed: 1 compound heterozygote.
Comment: Submitted to GoldVariant by Jose María Bastida and José Rivera; Grupo Español de Alteraciones Plaquetarias Congénitas (GEAPC)

ISTH-SSC Genomics in Thrombosis and Hemostasis, KU Leuven, Center for Molecular and Vascular Biology
Classification: Pathogenic for Sitosterolemia 1. Review status: no assertion criteria provided. Collection method: research. Allele origin: germline. Affected: yes. Not counted in ClinVar's aggregate classification.
Comment: Submitted to GoldVariant by Jose María Bastida from Hospital Universitario Salamanca - IBSAL, Spain

Literature cited by the submitters: PubMed 28696550 (cited by Labcorp Genetics (formerly Invitae), Labcorp and Ambry Genetics); PubMed 32041611 (cited by Labcorp Genetics (formerly Invitae), Labcorp and Ambry Genetics); PubMed 28983057 (cited by Ambry Genetics).

NM_022436.3(ABCG5):c.914C>G (p.Thr305Arg)

Genes: DYNC2LI1 (dynein cytoplasmic 2 light intermediate chain 1; plus strand), ABCG5 (ATP binding cassette subfamily G member 5; minus strand). Cytogenetic location: 2p21.
Variant type: single nucleotide variant.
Coding change: c.914C>G on transcript NM_022436.3 (MANE Select); coding-DNA position 914, C replaced by G.
Protein change: p.Thr305Arg; replaces threonine 305 with arginine.
Molecular consequence: missense variant. On other transcripts: intron variant (2).
Genome position (GRCh38, 1-based): chr2:43,824,423, G>C on the plus strand (C>G on the coding strand, the complement: ABCG5 is on the minus strand). VCF-style: chr2-43824423-G-C. GRCh37 (hg19) VCF-style: chr2-44051562-G-C.
Other names: c.*16-2963G>C (NM_001348913.2, NM_001348912.2); c.914C>G (NM_022436.2); short protein forms T305R.
Identifiers: ClinVar variation 1046346 (VCV001046346.14), dbSNP rs143740796, ClinGen allele CA1636444.
Genomic context (GRCh38, chr2:43,824,423, plus strand): 5'-ATCATCTGGACTCTCTTGGAGGTTTCTATTTCCCGTTCCTTGCTTTGGGTATCCACTGAC[G>C]TCAGGTCCACTAAAAGTTTTTCCCAAAAGATGTCACCCATGTGTTTTTAAATGCATGTAT-3'
Protein context (NP_071881.1, residues 295-315): SNPFDFYMDL[Thr305Arg]SVDTQSKERE